The following is an entry in ClinVar:

ClinVar aggregate classification (germline): Uncertain significance. Review status: criteria provided, multiple submitters, no conflicts (2 of 4 stars). 2 submissions from 2 submitters: Uncertain significance (2). Last evaluated 2025-02-24.

Conditions:
Epileptic encephalopathy. Identifiers: MedGen C0543888, HP:0200134.

Allele frequency attached by ClinVar (database versions not stated): gnomAD exomes below 0.00001; TOPMed below 0.00001.
gnomAD v4.1: 3 of 1,606,196 alleles (0.00019%); highest among the groups gnomAD compares: Non-Finnish European, 0.000085%; no homozygotes.

Submissions (2):

Labcorp Genetics (formerly Invitae), Labcorp
Classification: Uncertain significance for Epileptic encephalopathy. Last evaluated: 2025-02-24. Review status: criteria provided, single submitter. Criteria: Invitae Variant Classification Sherloc (09022015). Collection method: clinical testing. Allele origin: germline.
Comment: This sequence change replaces leucine, which is neutral and non-polar, with serine, which is neutral and polar, at codon 276 of the FASN protein (p.Leu276Ser). This variant is not present in population databases (gnomAD no frequency). This variant has not been reported in the literature in individuals affected with FASN-related conditions. ClinVar contains an entry for this variant (Variation ID: 1346221). An algorithm developed to predict the effect of missense changes on protein structure and function (PolyPhen-2) suggests that this variant is likely to be disruptive. In summary, the available evidence is currently insufficient to determine the role of this variant in disease. Therefore, it has been classified as a Variant of Uncertain Significance.

Ambry Genetics
Classification: Uncertain significance. Last evaluated: 2024-12-10. Review status: criteria provided, single submitter. Criteria: Ambry Variant Classification Scheme 2023. Collection method: clinical testing. Allele origin: germline.

NM_004104.5(FASN):c.827T>C (p.Leu276Ser)

Gene: FASN (fatty acid synthase; minus strand). Cytogenetic location: 17q25.3.
Variant type: single nucleotide variant.
Coding change: c.827T>C on transcript NM_004104.5 (MANE Select); coding-DNA position 827, T replaced by C.
Protein change: p.Leu276Ser; replaces leucine 276 with serine.
Molecular consequence: missense variant.
Genome position (GRCh38, 1-based): chr17:82,092,764, A>G on the plus strand (T>C on the coding strand, the complement: FASN is on the minus strand). VCF-style: chr17-82092764-A-G. GRCh37 (hg19) VCF-style: chr17-80050640-A-G.
Other names: c.827T>C (NM_004104.4); short protein forms L276S.
Identifiers: ClinVar variation 1346221 (VCV001346221.9), dbSNP rs1289567671, ClinGen allele CA401562893.